The following is an entry in ClinVar:

NR_147505.1(LOC100422781):n.724C>T

Gene: LOC100422781 (uncharacterized LOC100422781; plus strand). Cytogenetic location: 6p25.2.
Variant type: single nucleotide variant.
Molecular consequence: non-coding transcript variant (on NR_147505.1).
Genome position: GRCh38 VCF-style: chr6-3232126-C-T. GRCh37 (hg19) VCF-style: chr6-3232360-C-T.
Identifiers: ClinVar variation 1676005 (VCV001676005.33), dbSNP rs546027859, ClinGen allele CA3619299.

ClinVar aggregate classification (germline): Likely benign. Review status: criteria provided, multiple submitters, no conflicts (2 of 4 stars). 2 submissions from 2 submitters: Likely benign (2). Last evaluated 2023-07-01.

Allele frequency attached by ClinVar (database versions not stated): 1000 Genomes Project 0.00060; 1000 Genomes Project 30x 0.00094; TOPMed 0.00203; ExAC 0.00288; gnomAD exomes 0.00357; gnomAD 0.00472 and 0.00501.

Submissions (2):

CeGaT Center for Human Genetics Tuebingen
Classification: Likely benign. Last evaluated: 2023-07-01. Review status: criteria provided, single submitter. Criteria: CeGaT Center For Human Genetics Tuebingen Variant Classification Criteria Version 2. Collection method: clinical testing. Allele origin: germline. Affected: yes. Observed: 5 variant alleles.
Comment: ENSG00000288840: BS2

Breakthrough Genomics
Classification: Likely benign. Review status: criteria provided, single submitter. Criteria: ACMG Guidelines, 2015. Collection method: not provided. Allele origin: germline. Inheritance: Unknown mechanism. Affected: yes.